The following is an entry in ClinVar:

NM_032444.4(SLX4):c.1925-122C>T

Gene: SLX4 (SLX4 structure-specific endonuclease subunit; minus strand). Cytogenetic location: 16p13.3.
Variant type: single nucleotide variant.
Coding change: c.1925-122C>T on transcript NM_032444.4 (MANE Select); 122 bases into the intron before coding-DNA position 1925, C replaced by T.
Molecular consequence: intron variant.
Genome position (GRCh38, 1-based): chr16:3,595,815, G>A on the plus strand (C>T on the coding strand, the complement: SLX4 is on the minus strand). VCF-style: chr16-3595815-G-A. GRCh37 (hg19) VCF-style: chr16-3645816-G-A.
Identifiers: ClinVar variation 929625 (VCV000929625.1), dbSNP rs2040646025, ClinGen allele CA973888951.

ClinVar aggregate classification (germline): Likely benign (0 of 4 stars; one submission).

Allele frequency attached by ClinVar (database versions not stated): gnomAD exomes 0.00001.
gnomAD v4.1: 7 of 1,146,612 alleles (0.00061%); highest among the groups gnomAD compares: East Asian, 0.0025%; no homozygotes.

Submission:

Leiden Open Variation Database
Classification: Likely benign. Last evaluated: 2012-08-31. Review status: no assertion criteria provided. Collection method: curation. Allele origin: germline. Affected: yes.
Comment: Curator: Arleen D. Auerbach. Submitter to LOVD: Janine Bakker.

Literature cited by the submitters: PubMed 22911665.